The following is an entry in ClinVar:

ClinVar aggregate classification (germline): Likely benign (1 of 4 stars; one submission).

Allele frequency attached by ClinVar (database versions not stated): gnomAD exomes 0.00002.
gnomAD v4.1: 22 of 1,437,574 alleles (0.0015%); highest among the groups gnomAD compares: Non-Finnish European, 0.002%; no homozygotes.

Submission:

Laboratory for Molecular Medicine, Mass General Brigham Personalized Medicine
Classification: Likely benign. Last evaluated: 2015-11-17. Review status: criteria provided, single submitter. Criteria: LMM Criteria. Collection method: clinical testing. Allele origin: germline. Observed: 1 variant allele.
Comment: p.Phe956Phe in exon 23 of OTOG: This variant is not expected to have clinical si gnificance because it does not alter an amino acid residue and is not located wi thin the splice consensus sequence.

NM_001292063.2(OTOG):c.2832C>T (p.Phe944=)

Gene: OTOG (otogelin; plus strand). Cytogenetic location: 11p15.1.
Variant type: single nucleotide variant.
Coding change: c.2832C>T on transcript NM_001292063.2 (MANE Select); coding-DNA position 2832, C replaced by T.
Protein change: p.Phe944=; no amino-acid change (phenylalanine 944 retained).
Molecular consequence: synonymous variant.
Genome position (GRCh38, 1-based): chr11:17,586,546, C>T. VCF-style: chr11-17586546-C-T. GRCh37 (hg19) VCF-style: chr11-17608093-C-T.
Other names: c.2868C>T, p.Phe956= (NM_001277269.2).
Identifiers: ClinVar variation 227773 (VCV000227773.5), dbSNP rs876657553, ClinGen allele CA10576863.
Genomic context (GRCh38, chr11:17,586,546, plus strand): 5'-CGGGGATGCATGTTTCCTGCCAGAGGAGTGCCCCTGCACTTGGAAGGGGAAGGAGTATTT[C>T]CCTGGGGACCAGGTGATGTCTCCTTGCCATACCTGGTAAGTGAGGGTCCCAAGCAGGCTT-3'
Protein context (NP_001278992.1, residues 934-954): CPCTWKGKEY[Phe944=]PGDQVMSPCH